The following is an entry in ClinVar:

NM_033026.6(PCLO):c.14068G>T (p.Val4690Phe)

Gene: PCLO (piccolo presynaptic cytomatrix protein; minus strand). Cytogenetic location: 7q21.11.
Variant type: single nucleotide variant.
Coding change: c.14068G>T on transcript NM_033026.6 (MANE Select); coding-DNA position 14068, G replaced by T.
Protein change: p.Val4690Phe; replaces valine 4690 with phenylalanine.
Molecular consequence: missense variant.
Genome position (GRCh38, 1-based): chr7:82,841,488, C>A on the plus strand (G>T on the coding strand, the complement: PCLO is on the minus strand). VCF-style: chr7-82841488-C-A. GRCh37 (hg19) VCF-style: chr7-82470804-C-A.
Other names: c.14068G>T, p.Val4690Phe (NM_014510.3); short protein forms V4690F.
Identifiers: ClinVar variation 1468604 (VCV001468604.8), dbSNP rs768120952, ClinGen allele CA367878595.
Genomic context (GRCh38, chr7:82,841,488, plus strand): 5'-TATAATGGCGACTTTTTAAAAAACTTCATACCTGAATTTCTCCTGTAATTGGATGAGAGA[C>A]AACCTTTGTTCCATCGGTAGGCTGTAATATTAAAGAACATATATTACATTAATAGATACA-3'
Protein context (NP_149015.2, residues 4680-4700): SSKPTDGTKV[Val4690Phe]SHPITGEIQL

ClinVar aggregate classification (germline): Uncertain significance (1 of 4 stars; one submission).

Submission:

Labcorp Genetics (formerly Invitae), Labcorp
Classification: Uncertain significance. Last evaluated: 2022-08-01. Review status: criteria provided, single submitter. Criteria: Invitae Variant Classification Sherloc (09022015). Collection method: clinical testing. Allele origin: germline.
Comment: In summary, the available evidence is currently insufficient to determine the role of this variant in disease. Therefore, it has been classified as a Variant of Uncertain Significance. Algorithms developed to predict the effect of missense changes on protein structure and function are either unavailable or do not agree on the potential impact of this missense change (SIFT: "Tolerated"; PolyPhen-2: "Not Available"; Align-GVGD: "Class C0"). ClinVar contains an entry for this variant (Variation ID: 1468604). This variant has not been reported in the literature in individuals affected with PCLO-related conditions. This variant is not present in population databases (gnomAD no frequency). This sequence change replaces valine, which is neutral and non-polar, with phenylalanine, which is neutral and non-polar, at codon 4690 of the PCLO protein (p.Val4690Phe).